The following is an entry in ClinVar:

NM_003001.5(SDHC):c.439C>T (p.Gln147Ter)

Gene: SDHC (succinate dehydrogenase complex subunit C; plus strand). Cytogenetic location: 1q23.3.
Variant type: single nucleotide variant.
Coding change: c.439C>T on transcript NM_003001.5 (MANE Select); coding-DNA position 439, C replaced by T.
Protein change: p.Gln147Ter; replaces glutamine 147 with a stop codon.
Molecular consequence: nonsense. On other transcripts: missense variant (3).
Genome position (GRCh38, 1-based): chr1:161,362,362, C>T. VCF-style: chr1-161362362-C-T. GRCh37 (hg19) VCF-style: chr1-161332152-C-T.
Other names: c.275C>T, p.Pro92Leu (NM_001035511.3); c.337C>T, p.Gln113Ter (NM_001035512.3); c.280C>T, p.Gln94Ter (NM_001035513.3); c.173C>T, p.Pro58Leu (NM_001278172.3); c.559C>T, p.Gln187Ter (NM_001407115.1); c.382C>T, p.Gln128Ter (NM_001407116.1); c.376C>T, p.Gln126Ter (NM_001407117.1); c.331C>T, p.Gln111Ter (NM_001407118.1); and 2 more; short protein forms P58L, P92L, Q113*, Q147*, Q94*, Q126*, Q187*, P73L.
Identifiers: ClinVar variation 995676 (VCV000995676.13), dbSNP rs1571898957, ClinGen allele CA343457695.

ClinVar aggregate classification (germline): Likely pathogenic. Review status: criteria provided, multiple submitters, no conflicts (2 of 4 stars). 4 submissions from 4 submitters: Likely pathogenic (4). Last evaluated 2026-04-21.

Conditions:
Pheochromocytoma/paraganglioma syndrome 3. Also called: GLOMUS TUMORS, FAMILIAL, 3; Paragangliomas 3; SDHC-Related Hereditary Paraganglioma-Pheochromocytoma Syndrome; SDHC-Related Hereditary Paraganglioma-Pheochromocytoma Syndrome (Paragangliomas 3). Identifiers: Orphanet 29072, MedGen C1854336, MONDO:0011544, OMIM 605373.
Gastrointestinal stromal tumor. Also called: Gastrointestinal stromal tumor, somatic; Gastrointestinal stroma tumor. Identifiers: Orphanet 44890, MedGen C0238198, MeSH D046152, MONDO:0011719, OMIM 606764, HP:0100723.

Submissions (4):

GeneDx
Classification: Likely pathogenic. Last evaluated: 2026-04-21. Review status: criteria provided, single submitter. Criteria: GeneDx Variant Classification Process June 2021. Collection method: clinical testing. Allele origin: germline.
Comment: Nonsense variant predicted to result in protein truncation, as the last 23 amino acids are lost, and other loss-of-function variants have been reported downstream; Not observed at significant frequency in large population cohorts (gnomAD); This variant is associated with the following publications: (PMID: 16249420)

Labcorp Genetics (formerly Invitae), Labcorp
Classification: Likely pathogenic for Pheochromocytoma/paraganglioma syndrome 3; Gastrointestinal stromal tumor. Last evaluated: 2025-11-10. Review status: criteria provided, single submitter. Criteria: Invitae Variant Classification Sherloc (09022015). Collection method: clinical testing. Allele origin: germline.
Comment: This sequence change creates a premature translational stop signal (p.Gln147*) in the SDHC gene. While this is not anticipated to result in nonsense mediated decay, it is expected to disrupt the last 23 amino acid(s) of the SDHC protein. This variant is not present in population databases (gnomAD no frequency). This premature translational stop signal has been observed in individuals with paraganglioma-pheochromocytoma syndromes (PMID: 16249420; internal data). ClinVar contains an entry for this variant (Variation ID: 995676). This variant disrupts a region of the SDHC protein in which other variant(s) (p.Ser151Tyr) have been observed in individuals with SDHC-related conditions (internal data). This suggests that this is a clinically significant region of the protein, and that variants that disrupt it are likely to be disease-causing. In summary, the currently available evidence indicates that the variant is pathogenic, but additional data are needed to prove that conclusively. Therefore, this variant has been classified as Likely Pathogenic.

Molecular Pathology, Peter Maccallum Cancer Centre
Classification: Likely pathogenic for Pheochromocytoma/paraganglioma syndrome 3. Last evaluated: 2025-01-17. Review status: criteria provided, single submitter. Criteria: ACMG Guidelines, 2015. Collection method: clinical testing. Allele origin: germline. Inheritance: Autosomal dominant inheritance.

ARUP Laboratories, Molecular Genetics and Genomics, ARUP Laboratories
Classification: Likely pathogenic. Last evaluated: 2020-02-27. Review status: criteria provided, single submitter. Criteria: ARUP Molecular Germline Variant Investigation Process. Collection method: clinical testing. Allele origin: germline.
Comment: The SDHC c.439C>T; p.Gln147Ter variant is reported in the medical literature in an individual with paraganglioma (Schiavi 2005, Schiavi 2006). This variant is absent from general population databases (Exome Variant Server, Genome Aggregation Database), indicating it is not a common polymorphism. This variant results in a premature termination codon in the last exon of the SDHC gene. While this may not lead to nonsense-mediated decay, it is expected to create a truncated SDHC protein. Based on available information, this variant is considered to be likely pathogenic. References: Schiavi F et al. Predictors and prevalence of paraganglioma syndrome associated with mutations of the SDHC gene. JAMA. 2005 Oct 26;294(16):2057-63. Schiavi F et al. Paraganglioma syndrome: SDHB, SDHC, and SDHD mutations in head and neck paragangliomas. Ann Ny Acad Sci. 2006 1073: 190-197.

Literature cited by the submitters: PubMed 16249420 (cited by Labcorp Genetics (formerly Invitae), Labcorp).